The following is an entry in ClinVar:

ClinVar aggregate classification (germline): Likely benign. Review status: criteria provided, multiple submitters, no conflicts (2 of 4 stars). 3 submissions from 3 submitters: Likely benign (3). Last evaluated 2026-04-01.

Conditions:
SLC25A22-related disorder. Also called: SLC25A22-related condition.
Early-infantile DEE. Also called: Early infantile epileptic encephalopathy; Ohtahara syndrome; Early infantile epileptic encephalopathy with suppression bursts. Identifiers: Orphanet 1934, MedGen C0393706, MONDO:0800491.

Allele frequency attached by ClinVar (database versions not stated): gnomAD exomes 0.00002 and 0.00005; gnomAD 0.00003; TOPMed 0.00003; ExAC 0.00009; 1000 Genomes Project 30x 0.00016; 1000 Genomes Project 0.00020.
gnomAD v4.1: 33 of 1,609,464 alleles (0.0021%); highest among the groups gnomAD compares: East Asian, 0.069%; no homozygotes.

Submissions (3):

CeGaT Center for Human Genetics Tuebingen
Classification: Likely benign. Last evaluated: 2026-04-01. Review status: criteria provided, single submitter. Criteria: CeGaT Center For Human Genetics Tuebingen Variant Classification Criteria Version 2. Collection method: clinical testing. Allele origin: germline. Affected: yes. Observed: 1 variant allele.
Comment: SLC25A22: BP4, BP7

Labcorp Genetics (formerly Invitae), Labcorp
Classification: Likely benign for Early-infantile DEE. Last evaluated: 2025-10-01. Review status: criteria provided, single submitter. Criteria: Invitae Variant Classification Sherloc (09022015). Collection method: clinical testing. Allele origin: germline.

PreventionGenetics, part of Exact Sciences
Classification: Likely benign for SLC25A22-related condition. Last evaluated: 2025-03-06. Review status: criteria provided, single submitter. Criteria: ACMG Guidelines, 2015. Collection method: clinical testing. Allele origin: germline.
Comment: This variant is classified as likely benign based on ACMG/AMP sequence variant interpretation guidelines (Richards et al. 2015 PMID: 25741868, with internal and published modifications).

NM_001191061.2(SLC25A22):c.903C>T (p.Ile301=)

Gene: SLC25A22 (solute carrier family 25 member 22; minus strand). Cytogenetic location: 11p15.5.
Variant type: single nucleotide variant.
Coding change: c.903C>T on transcript NM_001191061.2 (MANE Select); coding-DNA position 903, C replaced by T.
Protein change: p.Ile301=; no amino-acid change (isoleucine 301 retained).
Molecular consequence: synonymous variant.
Genome position (GRCh38, 1-based): chr11:791,984, G>A on the plus strand (C>T on the coding strand, the complement: SLC25A22 is on the minus strand). VCF-style: chr11-791984-G-A. GRCh37 (hg19) VCF-style: chr11-791984-G-A.
Other names: c.903C>T (NM_001191060.1); c.903C>T, p.Ile301= (NM_001191060.2, NM_024698.6).
Identifiers: ClinVar variation 530646 (VCV000530646.16), dbSNP rs564026448, ClinGen allele CA5789009.